The following is an entry in ClinVar:

ClinVar aggregate classification (germline): Uncertain significance. Review status: criteria provided, multiple submitters, no conflicts (2 of 4 stars). 3 submissions from 3 submitters: Uncertain significance (3). Last evaluated 2024-05-02.

Conditions:
RYR1-related disorder. Also called: RYR1-related condition; RYR1-related disorders. Identifiers: MedGen CN239331.
Malignant hyperthermia, susceptibility to, 1 (MHS1). Also called: Anesthesia related hyperthermia; Malignant hyperpyrexia; Fulminating hyperpyrexia; Pharmacogenic myopathy; Malignant hyperthermia suceptibility 1; RYR1-Related Malignant Hyperthermia Susceptibility. Identifiers: Orphanet 423, MedGen C2930980, MONDO:0007783, OMIM 145600.

Allele frequency attached by ClinVar (database versions not stated): gnomAD 0.00002; gnomAD exomes 0.00002; ExAC 0.00003; TOPMed 0.00001.
gnomAD v4.1: 43 of 1,614,108 alleles (0.0027%); highest among the groups gnomAD compares: Non-Finnish European, 0.0036%; no homozygotes.

Submissions (3):

Labcorp Genetics (formerly Invitae), Labcorp
Classification: Uncertain significance for RYR1-related disorder. Last evaluated: 2024-05-02. Review status: criteria provided, single submitter. Criteria: Invitae Variant Classification Sherloc (09022015). Collection method: clinical testing. Allele origin: germline.
Comment: This sequence change replaces asparagine, which is neutral and polar, with lysine, which is basic and polar, at codon 3474 of the RYR1 protein (p.Asn3474Lys). This variant is present in population databases (rs769661588, gnomAD 0.004%). This variant has not been reported in the literature in individuals affected with RYR1-related conditions. ClinVar contains an entry for this variant (Variation ID: 979085). Advanced modeling of protein sequence and biophysical properties (such as structural, functional, and spatial information, amino acid conservation, physicochemical variation, residue mobility, and thermodynamic stability) performed at Invitae indicates that this missense variant is not expected to disrupt RYR1 protein function with a negative predictive value of 95%. In summary, the available evidence is currently insufficient to determine the role of this variant in disease. Therefore, it has been classified as a Variant of Uncertain Significance.

Color Diagnostics, LLC DBA Color Health
Classification: Uncertain significance for Malignant hyperthermia, susceptibility to, 1. Last evaluated: 2024-03-06. Review status: criteria provided, single submitter. Criteria: ACMG Guidelines, 2015. Collection method: clinical testing. Allele origin: germline.
Comment: This missense variant replaces asparagine with lysine at codon 3474 of the RYR1 protein. Computational prediction suggests that this variant may not impact protein structure and function. To our knowledge, functional studies have not been reported for this variant. This variant has not been reported in individuals affected with RYR1-related disorders in the literature. This variant has been identified in 5/251430 chromosomes in the general population by the Genome Aggregation Database (gnomAD). The available evidence is insufficient to determine the role of this variant in disease conclusively. Therefore, this variant is classified as a Variant of Uncertain Significance.

Human Genome Sequencing Center Clinical Lab, Baylor College of Medicine
Classification: Uncertain significance for Malignant hyperthermia suceptibility 1. Review status: criteria provided, single submitter. Criteria: ACMG Guidelines, 2015. Collection method: clinical testing. Allele origin: germline.

NM_000540.3(RYR1):c.10422C>G (p.Asn3474Lys)

Gene: RYR1 (ryanodine receptor 1; plus strand). Cytogenetic location: 19q13.2.
Variant type: single nucleotide variant.
Coding change: c.10422C>G on transcript NM_000540.3 (MANE Select); coding-DNA position 10422, C replaced by G.
Protein change: p.Asn3474Lys; replaces asparagine 3474 with lysine.
Molecular consequence: missense variant.
Genome position (GRCh38, 1-based): chr19:38,523,291, C>G. VCF-style: chr19-38523291-C-G. GRCh37 (hg19) VCF-style: chr19-39013931-C-G.
Other names: c.10422C>G, p.Asn3474Lys (NM_001042723.2); short protein forms N3474K.
Identifiers: ClinVar variation 979085 (VCV000979085.3), dbSNP rs769661588, ClinGen allele CA053350.